The following is an entry in ClinVar:

ClinVar aggregate classification (germline): Uncertain significance. Review status: criteria provided, multiple submitters, no conflicts (2 of 4 stars). 5 submissions from 5 submitters: Uncertain significance (5). Last evaluated 2026-02-10.

Conditions:
Inborn genetic diseases. Identifiers: MedGen C0950123, MeSH D030342.

Allele frequency attached by ClinVar (database versions not stated): ExAC 0.00006; TOPMed 0.00020; gnomAD 0.00021 and 0.00026; ESP Exome Variant Server 0.00031.
gnomAD v4.1: 100 of 1,613,714 alleles (0.0062%); highest among the groups gnomAD compares: African/African-American, 0.087%; no homozygotes.

Submissions (5):

GeneDx
Classification: Uncertain significance. Last evaluated: 2026-02-10. Review status: criteria provided, single submitter. Criteria: GeneDx Variant Classification Process June 2021. Collection method: clinical testing. Allele origin: germline.
Comment: Has not been previously published as pathogenic or benign to our knowledge in association with RBP3-related disorder; In silico analysis does not support a benign or deleterious effect of this variant on protein structure/function; This variant is associated with the following publications: (PMID: 26934580)

Labcorp Genetics (formerly Invitae), Labcorp
Classification: Uncertain significance. Last evaluated: 2023-11-13. Review status: criteria provided, single submitter. Criteria: Invitae Variant Classification Sherloc (09022015). Collection method: clinical testing. Allele origin: germline.
Comment: This sequence change replaces proline, which is neutral and non-polar, with leucine, which is neutral and non-polar, at codon 139 of the RBP3 protein (p.Pro139Leu). This variant is present in population databases (rs147118201, gnomAD 0.06%). This variant has not been reported in the literature in individuals affected with RBP3-related conditions. ClinVar contains an entry for this variant (Variation ID: 838170). An algorithm developed to predict the effect of missense changes on protein structure and function (PolyPhen-2) suggests that this variant is likely to be disruptive. In summary, the available evidence is currently insufficient to determine the role of this variant in disease. Therefore, it has been classified as a Variant of Uncertain Significance.

Blueprint Genetics
Classification: Uncertain significance. Last evaluated: 2023-05-30. Review status: criteria provided, single submitter. Criteria: ACMG Guidelines, 2015. Collection method: clinical testing. Allele origin: germline.

Ambry Genetics
Classification: Uncertain significance for Inborn genetic diseases. Last evaluated: 2021-09-01. Review status: criteria provided, single submitter. Criteria: Ambry Variant Classification Scheme 2023. Collection method: clinical testing. Allele origin: germline.

Breakthrough Genomics
Classification: Uncertain significance. Review status: criteria provided, single submitter. Criteria: ACMG Guidelines, 2015. Collection method: not provided. Allele origin: germline. Inheritance: Autosomal recessive inheritance. Affected: yes.

NM_002900.3(RBP3):c.416C>T (p.Pro139Leu)

Gene: RBP3 (retinol binding protein 3; plus strand). Cytogenetic location: 10q11.22.
Variant type: single nucleotide variant.
Coding change: c.416C>T on transcript NM_002900.3 (MANE Select); coding-DNA position 416, C replaced by T.
Protein change: p.Pro139Leu; replaces proline 139 with leucine.
Molecular consequence: missense variant.
Genome position (GRCh38, 1-based): chr10:47,348,900, C>T. VCF-style: chr10-47348900-C-T. GRCh37 (hg19) VCF-style: chr10-48390462-G-A.
Other names: short protein forms P139L.
Identifiers: ClinVar variation 838170 (VCV000838170.8), dbSNP rs147118201, ClinGen allele CA5487795.